The following is an entry in ClinVar:

NC_000002.12:g.(?_50620002)_(50623635_?)del

Gene: NRXN1 (neurexin 1; minus strand). Cytogenetic location: 2p16.3.
Variant type: Deletion.
Identifiers: ClinVar variation 831017 (VCV000831017.3).

ClinVar aggregate classification (germline): Pathogenic (1 of 4 stars; one submission).

Conditions:
Pitt-Hopkins-like syndrome 2 (PTHSL2). Identifiers: Orphanet 221150, Orphanet 600663, MedGen C3280479, MONDO:0013690, OMIM 614325.

Submission:

Labcorp Genetics (formerly Invitae), Labcorp
Classification: Pathogenic for Pitt-Hopkins-like syndrome 2. Last evaluated: 2024-01-24. Review status: criteria provided, single submitter. Criteria: Invitae Variant Classification Sherloc (09022015). Collection method: clinical testing. Allele origin: germline.
Comment: This variant is a gross deletion of the genomic region encompassing exon(s) 7-9 of the NRXN1 gene. This deletion is out-of-frame, and is expected to create a premature termination codon and result in an absent or disrupted protein product. Loss-of-function variants in NRXN1 are known to be pathogenic (PMID: 19896112, 21964664, 23495017, 23533028, 25149956, 30031152). This variant has not been reported in the literature in individuals affected with NRXN1-related conditions. For these reasons, this variant has been classified as Pathogenic.

Literature cited by the submitters: PubMed 19896112; PubMed 21964664; PubMed 23495017; PubMed 23533028; PubMed 25149956; PubMed 30031152.